The following is an entry in ClinVar:

ClinVar aggregate classification (germline): Uncertain significance. Review status: criteria provided, multiple submitters, no conflicts (2 of 4 stars). 2 submissions from 2 submitters: Uncertain significance (2). Last evaluated 2026-05-22.

Conditions:
Hereditary cancer-predisposing syndrome. Also called: Tumor predisposition; Neoplastic Syndromes, Hereditary; Hereditary Cancer Syndrome; Hereditary neoplastic syndrome. Identifiers: Orphanet 140162, MedGen C0027672, MeSH D009386, MONDO:0015356.

Submissions (2):

Ambry Genetics
Classification: Uncertain significance for Hereditary cancer-predisposing syndrome. Last evaluated: 2026-05-22. Review status: criteria provided, single submitter. Criteria: Ambry Variant Classification Scheme 2023. Collection method: clinical testing. Allele origin: germline.
Comment: The p.L1825V variant (also known as c.5473C>G), located in coding exon 40 of the POLE gene, results from a C to G substitution at nucleotide position 5473. The leucine at codon 1825 is replaced by valine, an amino acid with highly similar properties. This amino acid position is conserved. In addition, this alteration is predicted to be tolerated by in silico analysis. Based on the available evidence, the clinical significance of this variant remains unclear.

Labcorp Genetics (formerly Invitae), Labcorp
Classification: Uncertain significance. Last evaluated: 2025-05-19. Review status: criteria provided, single submitter. Criteria: Invitae Variant Classification Sherloc (09022015). Collection method: clinical testing. Allele origin: germline.
Comment: This sequence change replaces leucine, which is neutral and non-polar, with valine, which is neutral and non-polar, at codon 1825 of the POLE protein (p.Leu1825Val). This variant is not present in population databases (gnomAD no frequency). This variant has not been reported in the literature in individuals affected with POLE-related conditions. ClinVar contains an entry for this variant (Variation ID: 1523408). Invitae Evidence Modeling of protein sequence and biophysical properties (such as structural, functional, and spatial information, amino acid conservation, physicochemical variation, residue mobility, and thermodynamic stability) indicates that this missense variant is not expected to disrupt POLE protein function with a negative predictive value of 80%. In summary, the available evidence is currently insufficient to determine the role of this variant in disease. Therefore, it has been classified as a Variant of Uncertain Significance.

NM_006231.4(POLE):c.5473C>G (p.Leu1825Val)

Gene: POLE (DNA polymerase epsilon, catalytic subunit; minus strand). Cytogenetic location: 12q24.33.
Variant type: single nucleotide variant.
Coding change: c.5473C>G on transcript NM_006231.4 (MANE Select); coding-DNA position 5473, C replaced by G.
Protein change: p.Leu1825Val; replaces leucine 1825 with valine.
Molecular consequence: missense variant.
Genome position (GRCh38, 1-based): chr12:132,639,204, G>C on the plus strand (C>G on the coding strand, the complement: POLE is on the minus strand). VCF-style: chr12-132639204-G-C. GRCh37 (hg19) VCF-style: chr12-133215790-G-C.
Other names: c.5473C>G (NM_006231.2); short protein forms L1825V.
Identifiers: ClinVar variation 1523408 (VCV001523408.9), dbSNP rs2138509692, ClinGen allele CA387374691.
Genomic context (GRCh38, chr12:132,639,204, plus strand): 5'-TCATGTTGTGGAGTGTGCGGTGCAGGGCAGGGTCATGAAGCAGAGAGGATGGCGACCGAA[G>C]CCAGCGGTAGAAGTGCATCACCTGGTTGTCTGCATAGATGTTGTGGTACTGGGTGATCTC-3'
Protein context (NP_006222.2, residues 1815-1835): DNQVMHFYRW[Leu1825Val]RSPSSLLHDP